The following is an entry in ClinVar:

NM_000179.3(MSH6):c.-37C>A

Genes: MSH6 (mutS homolog 6; plus strand), LOC129933706 (ATAC-STARR-seq lymphoblastoid silent region 11467; plus strand). Cytogenetic location: 2p16.3.
Variant type: single nucleotide variant.
Coding change: c.-37C>A on transcript NM_000179.3 (MANE Select); 37 bases upstream of the start codon, C replaced by A.
Molecular consequence: 5 prime UTR variant.
Genome position (GRCh38, 1-based): chr2:47,783,197, C>A. VCF-style: chr2-47783197-C-A. GRCh37 (hg19) VCF-style: chr2-48010336-C-A.
Other names: c.-37C>A (NM_001281492.2); c.-773C>A (NM_001281493.2).
Identifiers: ClinVar variation 379883 (VCV000379883.1), dbSNP rs747521149, ClinGen allele CA16604171.

ClinVar aggregate classification (germline): Likely benign (1 of 4 stars; one submission).

Allele frequency attached by ClinVar (database versions not stated): TOPMed 0.00001.
gnomAD v4.1: 9 of 1,609,346 alleles (0.00056%); highest among the groups gnomAD compares: Non-Finnish European, 0.00076%; no homozygotes.

Submission:

GeneDx
Classification: Likely benign. Last evaluated: 2016-10-27. Review status: criteria provided, single submitter. Criteria: GeneDx Variant Classification (06012015). Collection method: clinical testing. Allele origin: germline. Affected: yes.
Comment: This variant is considered likely benign or benign based on one or more of the following criteria: it is a conservative change, it occurs at a poorly conserved position in the protein, it is predicted to be benign by multiple in silico algorithms, and/or has population frequency not consistent with disease.